The following is an entry in ClinVar:

NM_000141.5(FGFR2):c.1852G>A (p.Ala618Thr)

Gene: FGFR2 (fibroblast growth factor receptor 2; minus strand). Cytogenetic location: 10q26.13.
Variant type: single nucleotide variant.
Coding change: c.1852G>A on transcript NM_000141.5 (MANE Select); coding-DNA position 1852, G replaced by A.
Protein change: p.Ala618Thr; replaces alanine 618 with threonine.
Molecular consequence: missense variant. On other transcripts: non-coding transcript variant (1).
Genome position (GRCh38, 1-based): chr10:121,496,543, C>T on the plus strand (G>A on the coding strand, the complement: FGFR2 is on the minus strand). VCF-style: chr10-121496543-C-T. GRCh37 (hg19) VCF-style: chr10-123256057-C-T.
Other names: c.1855G>A, p.Ala619Thr (NM_001144913.1, NM_022970.4); c.1516G>A, p.Ala506Thr (NM_001144914.1); c.1585G>A, p.Ala529Thr (NM_001144915.2, NM_023029.3); c.1507G>A, p.Ala503Thr (NM_001144916.2); c.1504G>A, p.Ala502Thr (NM_001144917.2); c.1501G>A, p.Ala501Thr (NM_001144918.2); c.1588G>A, p.Ala530Thr (NM_001144919.2); c.1168G>A, p.Ala390Thr (NM_001320654.2); and 1 more; short protein forms A390T, A506T, A530T, A616T, A619T, A501T, A502T, A503T.
Identifiers: ClinVar variation 2228559 (VCV002228559.2), dbSNP rs752349068, ClinGen allele CA5720641.

ClinVar aggregate classification (germline): Uncertain significance (1 of 4 stars; one submission).

Conditions:
Inborn genetic diseases. Identifiers: MedGen C0950123, MeSH D030342.

Allele frequency attached by ClinVar (database versions not stated): ExAC 0.00001.

Submission:

Ambry Genetics
Classification: Uncertain significance for Inborn genetic diseases. Last evaluated: 2020-12-31. Review status: criteria provided, single submitter. Criteria: Ambry Variant Classification Scheme 2023. Collection method: clinical testing. Allele origin: germline.
Comment: The c.1852G>A (p.A618T) alteration is located in exon 13 (coding exon 12) of the FGFR2 gene. This alteration results from a G to A substitution at nucleotide position 1852, causing the alanine (A) at amino acid position 618 to be replaced by a threonine (T). The p.A618T alteration is predicted to be deleterious by in silico analysis. Based on insufficient or conflicting evidence, the clinical significance of this alteration remains unclear.